The following is an entry in ClinVar:

NM_000264.5(PTCH1):c.2003_2004delinsTA (p.Tyr668Leu)

Genes: PTCH1 (patched 1; minus strand), LOC100507346 (uncharacterized LOC100507346; plus strand). Cytogenetic location: 9q22.32.
Variant type: Indel.
Coding change: c.2003_2004delinsTA on transcript NM_000264.5 (MANE Select); coding-DNA positions 2003 to 2004, AC replaced by TA.
Protein change: p.Tyr668Leu; replaces tyrosine 668 with leucine.
Molecular consequence: missense variant. On other transcripts: non-coding transcript variant (2).
Genome position (GRCh38, 1-based): chr9:95,468,997-95,468,998, GT replaced by TA on the plus strand (AC replaced by TA on the coding strand, the reverse complement: PTCH1 is on the minus strand). VCF-style: chr9-95468997-GT-TA. GRCh37 (hg19) VCF-style: chr9-98231279-GT-TA.
Other names: c.1805_1806delinsTA, p.Tyr602Leu (NM_001083602.3); c.2000_2001delinsTA, p.Tyr667Leu (NM_001083603.3); c.1550_1551delinsTA, p.Tyr517Leu (NM_001083604.3, NM_001083605.3, NM_001083606.3 and 1 more transcripts); c.1847_1848delinsTA, p.Tyr616Leu (NM_001354918.2); short protein forms Y517L, Y616L, Y602L, Y667L, Y668L.
Identifiers: ClinVar variation 2756644 (VCV002756644.3), dbSNP rs2538147838, ClinGen allele CA2697557862.

ClinVar aggregate classification (germline): Uncertain significance (1 of 4 stars; one submission).

Conditions:
Gorlin syndrome. Also called: Nevoid Basal Cell Carcinoma Syndrome; Basal cell nevus syndrome. Identifiers: Orphanet 377, MedGen C0004779, MONDO:0007187.

Submission:

Labcorp Genetics (formerly Invitae), Labcorp
Classification: Uncertain significance for Gorlin syndrome. Last evaluated: 2023-09-05. Review status: criteria provided, single submitter. Criteria: Invitae Variant Classification Sherloc (09022015). Collection method: clinical testing. Allele origin: germline.
Comment: In summary, the available evidence is currently insufficient to determine the role of this variant in disease. Therefore, it has been classified as a Variant of Uncertain Significance. An algorithm developed to predict the effect of missense changes on protein structure and function (PolyPhen-2) suggests that this variant is likely to be tolerated. This variant has not been reported in the literature in individuals affected with PTCH1-related conditions. Information on the frequency of this variant in the gnomAD database is not available, as this variant may be reported differently in the database. This sequence change replaces tyrosine, which is neutral and polar, with leucine, which is neutral and non-polar, at codon 668 of the PTCH1 protein (p.Tyr668Leu).